The following is an entry in ClinVar:

ClinVar aggregate classification (germline): Likely benign (1 of 4 stars; one submission).

gnomAD v4.1: 4 of 1,209,119 alleles (0.00033%); highest among the groups gnomAD compares: Non-Finnish European, 0.00045%; no homozygotes.

Submission:

CeGaT Center for Human Genetics Tuebingen
Classification: Likely benign. Last evaluated: 2022-11-01. Review status: criteria provided, single submitter. Criteria: CeGaT Center For Human Genetics Tuebingen Variant Classification Criteria Version 2. Collection method: clinical testing. Allele origin: germline. Affected: yes. Observed: 1 variant allele.
Comment: AMER1: BP4, BP7

NM_152424.4(AMER1):c.1185G>A (p.Glu395=)

Gene: AMER1 (APC membrane recruitment protein 1; minus strand). Cytogenetic location: Xq11.2.
Variant type: single nucleotide variant.
Coding change: c.1185G>A on transcript NM_152424.4 (MANE Select); coding-DNA position 1185, G replaced by A.
Protein change: p.Glu395=; no amino-acid change (glutamic acid 395 retained).
Molecular consequence: synonymous variant.
Genome position (GRCh38, 1-based): chrX:64,192,102, C>T on the plus strand (G>A on the coding strand, the complement: AMER1 is on the minus strand). VCF-style: chrX-64192102-C-T. GRCh37 (hg19) VCF-style: chrX-63411982-C-T.
Identifiers: ClinVar variation 2660742 (VCV002660742.24), dbSNP rs766550265, ClinGen allele CA517041120.